The following is an entry in ClinVar:

ClinVar aggregate classification (germline): Uncertain significance. Review status: criteria provided, multiple submitters, no conflicts (2 of 4 stars). 2 submissions from 2 submitters: Uncertain significance (2). Last evaluated 2022-01-04.

Conditions:
Microcephaly-intellectual disability-sensorineural hearing loss-epilepsy-abnormal muscle tone syndrome (NEDHSB). Also called: NEURODEVELOPMENTAL DISORDER WITH HEARING LOSS, SEIZURES, AND BRAIN ABNORMALITIES. Identifiers: Orphanet 457351, MedGen C4225276, MONDO:0014698, OMIM 616577.
Inborn genetic diseases. Identifiers: MedGen C0950123, MeSH D030342.

Submissions (2):

Ambry Genetics
Classification: Uncertain significance for Inborn genetic diseases. Last evaluated: 2022-01-04. Review status: criteria provided, single submitter. Criteria: Ambry Variant Classification Scheme 2023. Collection method: clinical testing. Allele origin: germline.

Labcorp Genetics (formerly Invitae), Labcorp
Classification: Uncertain significance for Microcephaly-intellectual disability-sensorineural hearing loss-epilepsy-abnormal muscle tone syndrome. Last evaluated: 2021-07-29. Review status: criteria provided, single submitter. Criteria: Invitae Variant Classification Sherloc (09022015). Collection method: clinical testing. Allele origin: germline.
Comment: Advanced modeling of protein sequence and biophysical properties (such as structural, functional, and spatial information, amino acid conservation, physicochemical variation, residue mobility, and thermodynamic stability) performed at Invitae indicates that this missense variant is expected to disrupt SPATA5 protein function. In summary, the available evidence is currently insufficient to determine the role of this variant in disease. Therefore, it has been classified as a Variant of Uncertain Significance. This sequence change replaces phenylalanine with serine at codon 726 of the SPATA5 protein (p.Phe726Ser). The phenylalanine residue is highly conserved and there is a large physicochemical difference between phenylalanine and serine. This variant is not present in population databases (ExAC no frequency). This variant has not been reported in the literature in individuals affected with SPATA5-related conditions.

NM_145207.3(AFG2A):c.2177T>C (p.Phe726Ser)

Gene: AFG2A (AAA ATPase AFG2A; plus strand). Cytogenetic location: 4q28.1.
Variant type: single nucleotide variant.
Coding change: c.2177T>C on transcript NM_145207.3 (MANE Select); coding-DNA position 2177, T replaced by C.
Protein change: p.Phe726Ser; replaces phenylalanine 726 with serine.
Molecular consequence: missense variant.
Genome position (GRCh38, 1-based): chr4:123,057,252, T>C. VCF-style: chr4-123057252-T-C. GRCh37 (hg19) VCF-style: chr4-123978407-T-C.
Other names: c.2174T>C, p.Phe725Ser (NM_001345856.2); c.2177T>C (NM_145207.2); short protein forms F725S, F726S.
Identifiers: ClinVar variation 1370960 (VCV001370960.6), dbSNP rs2125966669, ClinGen allele CA358227125.
Genomic context (GRCh38, chr4:123,057,252, plus strand): 5'-GGCACTCTTTCCACCAGACCTTCCGAAAAGCAAGAGCAGTGGCGCCTTCCATTATTTTCT[T>C]TGATGAACTGGATGCCTTAGCAGTTGAAAGGGGCAGGTAAGAAGTATTTAATAGCACTGC-3'
Protein context (NP_660208.2, residues 716-736): ARAVAPSIIF[Phe726Ser]DELDALAVER